The following is an entry in ClinVar:

ClinVar aggregate classification (germline): Uncertain significance (1 of 4 stars; one submission).

Conditions:
Charcot-Marie-Tooth disease type 4. Also called: Charcot-Marie-Tooth disease, type IV; Charcot-Marie-Tooth, Type 4. Identifiers: Orphanet 64749, MedGen C4082197, MONDO:0018995.

Allele frequency attached by ClinVar (database versions not stated): gnomAD 0.00001; TOPMed 0.00001.
gnomAD v4.1: 6 of 1,614,084 alleles (0.00037%); highest among the groups gnomAD compares: Non-Finnish European, 0.00051%; no homozygotes.

Submission:

Labcorp Genetics (formerly Invitae), Labcorp
Classification: Uncertain significance for Charcot-Marie-Tooth disease type 4. Last evaluated: 2022-06-10. Review status: criteria provided, single submitter. Criteria: Invitae Variant Classification Sherloc (09022015). Collection method: clinical testing. Allele origin: germline.
Comment: In summary, the available evidence is currently insufficient to determine the role of this variant in disease. Therefore, it has been classified as a Variant of Uncertain Significance. Algorithms developed to predict the effect of missense changes on protein structure and function (SIFT, PolyPhen-2, Align-GVGD) all suggest that this variant is likely to be tolerated. This variant has not been reported in the literature in individuals affected with SBF2-related conditions. This variant is present in population databases (no rsID available, gnomAD 0.0009%). This sequence change replaces isoleucine, which is neutral and non-polar, with serine, which is neutral and polar, at codon 1365 of the SBF2 protein (p.Ile1365Ser).

NM_030962.4(SBF2):c.4094T>G (p.Ile1365Ser)

Gene: SBF2 (SET binding factor 2; minus strand). Cytogenetic location: 11p15.4.
Variant type: single nucleotide variant.
Coding change: c.4094T>G on transcript NM_030962.4 (MANE Select); coding-DNA position 4094, T replaced by G.
Protein change: p.Ile1365Ser; replaces isoleucine 1365 with serine.
Molecular consequence: missense variant.
Genome position (GRCh38, 1-based): chr11:9,812,593, A>C on the plus strand (T>G on the coding strand, the complement: SBF2 is on the minus strand). VCF-style: chr11-9812593-A-C. GRCh37 (hg19) VCF-style: chr11-9834140-A-C.
Other names: c.4190T>G, p.Ile1397Ser (NM_001386339.1); c.3965T>G, p.Ile1322Ser (NM_001386342.1); short protein forms I1322S, I1365S, I1397S.
Identifiers: ClinVar variation 2177257 (VCV002177257.4), dbSNP rs960238401, ClinGen allele CA217622277.
Genomic context (GRCh38, chr11:9,812,593, plus strand): 5'-TGTGGGAACCACTCAGAATCTCCCAGCGCTTTCAGGAAGGTCACTTCTGAGTCAGTAGGG[A>C]TGGTGCTTGGGATACAAGCCCTCATCAGCTTCTTAAAACTGGCTTTCACTTGCCGGATTT-3'
Protein context (NP_112224.1, residues 1355-1375): KLMRACIPST[Ile1365Ser]PTDSEVTFLK